The following is an entry in ClinVar:

NM_015175.3(NBEAL2):c.3703+4C>T

Gene: NBEAL2 (neurobeachin like 2; plus strand). Cytogenetic location: 3p21.31.
Variant type: single nucleotide variant.
Coding change: c.3703+4C>T on transcript NM_015175.3 (MANE Select); 4 bases into the intron after coding-DNA position 3703, C replaced by T.
Molecular consequence: intron variant.
Genome position (GRCh38, 1-based): chr3:46,999,478, C>T. VCF-style: chr3-46999478-C-T. GRCh37 (hg19) VCF-style: chr3-47040968-C-T.
Other names: c.3601+4C>T (NM_001365116.2).
Identifiers: ClinVar variation 4999102 (VCV004999102.1).

ClinVar aggregate classification (germline): Likely benign (1 of 4 stars; one submission).

Conditions:
NBEAL2-related disorder. Also called: NBEAL2-related condition.

Submission:

PreventionGenetics, part of Exact Sciences
Classification: Likely benign for NBEAL2-related condition. Last evaluated: 2025-01-02. Review status: criteria provided, single submitter. Criteria: ACMG Guidelines, 2015. Collection method: clinical testing. Allele origin: germline.
Comment: This variant is classified as likely benign based on ACMG/AMP sequence variant interpretation guidelines (Richards et al. 2015 PMID: 25741868, with internal and published modifications).